The following is an entry in ClinVar:

ClinVar aggregate classification (germline): Pathogenic/Likely pathogenic. Review status: criteria provided, multiple submitters, no conflicts (2 of 4 stars). 7 submissions from 7 submitters: Pathogenic (3); Likely pathogenic (2). 2 of the submissions do not count toward it. Last evaluated 2025-08-25.

Conditions:
MYO18B-related disorder. Also called: MYO18B-related condition.
Klippel-Feil anomaly-myopathy-facial dysmorphism syndrome. Also called: Klippel-Feil syndrome 4, autosomal recessive, with myopathy and facial dysmorphism; Klippel-feil syndrome 4, autosomal recessive, with nemaline myopathy and facial dysmorphism. Identifiers: Orphanet 447974, MedGen C4225285, MONDO:0014689, OMIM 616549.

Submissions (7):

Daryl Scott Lab, Baylor College of Medicine
Classification: Pathogenic for Klippel-Feil anomaly-myopathy-facial dysmorphism syndrome. Last evaluated: 2025-08-25. Review status: criteria provided, single submitter. Criteria: ACMG Guidelines, 2015. Collection method: clinical testing. Allele origin: unknown. Affected: yes.
Comment: PVS1, PS3, PM2

3billion
Classification: Pathogenic for Klippel-Feil anomaly-myopathy-facial dysmorphism syndrome. Last evaluated: 2025-03-28. Review status: criteria provided, single submitter. Criteria: ACMG Guidelines, 2015. Collection method: clinical testing. Allele origin: germline. Affected: yes.
Comment: The variant is not observed in the gnomAD v4.1.0 dataset. Predicted Consequence/Location: Stop-gained (nonsense): predicted to result in a loss or disruption of normal protein function through nonsense-mediated decay (NMD) or protein truncation. Multiple pathogenic variants are reported downstream of the variant. The variant was homozygous. The variant has been reported at least twice as pathogenic with clinical assertions and evidence for the classification (ClinVar ID: VCV000208842 / PMID: 25748484). Therefore, this variant is classified as Pathogenic according to the recommendation of ACMG/AMP guideline.

Genomic Medicine Center of Excellence, King Faisal Specialist Hospital and Research Centre
Classification: Likely pathogenic for Klippel-Feil anomaly-myopathy-facial dysmorphism syndrome. Last evaluated: 2024-03-25. Review status: criteria provided, single submitter. Criteria: ACMG Guidelines, 2015. Collection method: clinical testing. Allele origin: germline.

Blueprint Genetics
Classification: Pathogenic for MYO18B-related disorders. Last evaluated: 2023-03-20. Review status: criteria provided, single submitter. Criteria: ACMG Guidelines, 2015. Collection method: clinical testing. Allele origin: germline. Affected: yes. Observed: 1 variant allele.

Baylor Genetics
Classification: Likely pathogenic for Klippel-Feil anomaly-myopathy-facial dysmorphism syndrome. Last evaluated: 2020-07-08. Review status: criteria provided, single submitter. Criteria: ACMG Guidelines, 2015. Collection method: clinical testing. Allele origin: unknown. Affected: yes.
Comment: This variant was determined to be likely pathogenic according to ACMG Guidelines, 2015 [PMID:25741868].

Biochemical Molecular Genetic Laboratory, King Abdulaziz Medical City
Classification: Likely pathogenic for Klippel-Feil anomaly-myopathy-facial dysmorphism syndrome. Last evaluated: 2019-09-26. Review status: no assertion criteria provided. Collection method: clinical testing. Allele origin: germline. Affected: yes. Not counted in ClinVar's aggregate classification.

OMIM
Classification: Pathogenic for KLIPPEL-FEIL SYNDROME 4, AUTOSOMAL RECESSIVE, WITH NEMALINE MYOPATHY AND FACIAL DYSMORPHISM. Last evaluated: 2015-06-01. Review status: no assertion criteria provided. Collection method: literature only. Allele origin: germline. Not counted in ClinVar's aggregate classification.

Literature cited by the submitters: PubMed 25748484 (cited by 3billion and OMIM).

NM_032608.7(MYO18B):c.6905C>A (p.Ser2302Ter)

Gene: MYO18B (myosin XVIIIB; plus strand). Cytogenetic location: 22q12.1.
Variant type: single nucleotide variant.
Coding change: c.6905C>A on transcript NM_032608.7 (MANE Select); coding-DNA position 6905, C replaced by A.
Protein change: p.Ser2302Ter; replaces serine 2302 with a stop codon.
Molecular consequence: nonsense.
Genome position (GRCh38, 1-based): chr22:26,026,879, C>A. VCF-style: chr22-26026879-C-A. GRCh37 (hg19) VCF-style: chr22-26422845-C-A.
Other names: c.6908C>A, p.Ser2303Ter (NM_001318245.2); short protein forms S2302*, S2303*.
Identifiers: ClinVar variation 208842 (VCV000208842.9), dbSNP rs556752387, ClinGen allele CA204948.
Genomic context (GRCh38, chr22:26,026,879, plus strand): 5'-AGACGACTGGGGCCTCCACACTAAGGAGGGGCAGGGCTGGCAGTGACGAGGGAAACCTCT[C>A]GCTGAGGGTTGGGGCAAAGTCACCCCTGGAAATCGAAGGGGCCGCTGGTGGTCTCTTGAG-3'